The following is an entry in ClinVar:

ClinVar aggregate classification (germline): Uncertain significance (1 of 4 stars; one submission).

Submission:

Labcorp Genetics (formerly Invitae), Labcorp
Classification: Uncertain significance. Last evaluated: 2025-01-25. Review status: criteria provided, single submitter. Criteria: Invitae Variant Classification Sherloc (09022015). Collection method: clinical testing. Allele origin: germline.
Comment: This sequence change replaces aspartic acid, which is acidic and polar, with valine, which is neutral and non-polar, at codon 167 of the FAM111A protein (p.Asp167Val). This variant is not present in population databases (gnomAD no frequency). This variant has not been reported in the literature in individuals affected with FAM111A-related conditions. Invitae Evidence Modeling of protein sequence and biophysical properties (such as structural, functional, and spatial information, amino acid conservation, physicochemical variation, residue mobility, and thermodynamic stability) indicates that this missense variant is not expected to disrupt FAM111A protein function with a negative predictive value of 80%. In summary, the available evidence is currently insufficient to determine the role of this variant in disease. Therefore, it has been classified as a Variant of Uncertain Significance.

NM_001312909.2(FAM111A):c.500A>T (p.Asp167Val)

Gene: FAM111A (FAM111 trypsin like peptidase A; plus strand). Cytogenetic location: 11q12.1.
Variant type: single nucleotide variant.
Coding change: c.500A>T on transcript NM_001312909.2 (MANE Select); coding-DNA position 500, A replaced by T.
Protein change: p.Asp167Val; replaces aspartic acid 167 with valine.
Molecular consequence: missense variant.
Genome position (GRCh38, 1-based): chr11:59,152,168, A>T. VCF-style: chr11-59152168-A-T. GRCh37 (hg19) VCF-style: chr11-58919641-A-T.
Other names: c.500A>T, p.Asp167Val (NM_001374850.1, NM_001374851.1, NM_001374852.1 and 29 more transcripts); short protein forms D167V.
Identifiers: ClinVar variation 3627881 (VCV003627881.2).